The following is an entry in ClinVar:

NM_001037333.3(CYFIP2):c.3133C>T (p.Arg1045Trp)

Genes: CYFIP2 (cytoplasmic FMR1 interacting protein 2; plus strand), NIPAL4-DT (NIPAL4 divergent transcript; minus strand). Cytogenetic location: 5q33.3.
Variant type: single nucleotide variant.
Coding change: c.3133C>T on transcript NM_001037333.3 (MANE Select); coding-DNA position 3133, C replaced by T.
Protein change: p.Arg1045Trp; replaces arginine 1045 with tryptophan.
Molecular consequence: missense variant.
Genome position (GRCh38, 1-based): chr5:157,383,285, C>T. VCF-style: chr5-157383285-C-T. GRCh37 (hg19) VCF-style: chr5-156810293-C-T.
Other names: c.3055C>T, p.Arg1019Trp (NM_001291721.2); c.3208C>T, p.Arg1070Trp (NM_001291722.2); c.3133C>T, p.Arg1045Trp (NM_014376.4); c.3133C>T (NM_001037333.1); short protein forms R1019W, R1070W, R1045W.
Identifiers: ClinVar variation 1474905 (VCV001474905.12), dbSNP rs764928113, ClinGen allele CA3534254.

ClinVar aggregate classification (germline): Uncertain significance. Review status: criteria provided, multiple submitters, no conflicts (2 of 4 stars). 3 submissions from 3 submitters: Uncertain significance (3). Last evaluated 2022-06-10.

Conditions:
Developmental and epileptic encephalopathy, 65. Also called: EPILEPTIC ENCEPHALOPATHY, EARLY INFANTILE, 65. Identifiers: MedGen C4693925, MONDO:0033374, OMIM 618008.
Inborn genetic diseases. Identifiers: MedGen C0950123, MeSH D030342.

Allele frequency attached by ClinVar (database versions not stated): gnomAD exomes below 0.00001; ExAC 0.00002.
gnomAD v4.1: 3 of 1,613,750 alleles (0.00019%); highest among the groups gnomAD compares: Admixed American, 0.0017%; no homozygotes.

Submissions (3):

Ambry Genetics
Classification: Uncertain significance for Inborn genetic diseases. Last evaluated: 2022-06-10. Review status: criteria provided, single submitter. Criteria: Ambry Variant Classification Scheme 2023. Collection method: clinical testing. Allele origin: germline.

Revvity Omics, Revvity
Classification: Uncertain significance for Developmental and epileptic encephalopathy, 65. Last evaluated: 2022-01-26. Review status: criteria provided, single submitter. Criteria: ACMG Guidelines, 2015. Collection method: clinical testing. Allele origin: germline.

Labcorp Genetics (formerly Invitae), Labcorp
Classification: Uncertain significance. Last evaluated: 2021-03-24. Review status: criteria provided, single submitter. Criteria: Invitae Variant Classification Sherloc (09022015). Collection method: clinical testing. Allele origin: germline.
Comment: This sequence change replaces arginine with tryptophan at codon 1045 of the CYFIP2 protein (p.Arg1045Trp). The arginine residue is highly conserved and there is a moderate physicochemical difference between arginine and tryptophan. In summary, the available evidence is currently insufficient to determine the role of this variant in disease. Therefore, it has been classified as a Variant of Uncertain Significance. Algorithms developed to predict the effect of missense changes on protein structure and function are either unavailable or do not agree on the potential impact of this missense change (SIFT: "Deleterious"; PolyPhen-2: "Not Available"; Align-GVGD: "Class C25"). This variant has not been reported in the literature in individuals with CYFIP2-related conditions. This variant is present in population databases (rs764928113, ExAC 0.02%).